The following is an entry in ClinVar:

ClinVar aggregate classification (germline): Uncertain significance (1 of 4 stars; one submission).

Conditions:
Emery-Dreifuss muscular dystrophy 4, autosomal dominant (EDMD4). Also called: EMERY-DREIFUSS MUSCULAR DYSTROPHY 4 WITH VARIABLE FEATURES. Identifiers: Orphanet 261, MedGen C2751807, MONDO:0013071, OMIM 612998.
Autosomal recessive ataxia, Beauce type. Also called: Spinocerebellar ataxia, autosomal recessive 8; ATAXIA, RECESSIVE, OF BEAUCE; SYNE1-Related Autosomal Recessive Cerebellar Ataxia; SYNE1 Deficiency. Identifiers: Orphanet 88644, MedGen C1853116, MONDO:0012549, OMIM 610743.

gnomAD v4.1: 1 of 1,614,084 alleles (0.000062%); highest among the groups gnomAD compares: Non-Finnish European, 0.000085%; no homozygotes.

Submission:

Labcorp Genetics (formerly Invitae), Labcorp
Classification: Uncertain significance for Emery-Dreifuss muscular dystrophy 4, autosomal dominant; Autosomal recessive ataxia, Beauce type. Last evaluated: 2024-02-08. Review status: criteria provided, single submitter. Criteria: Invitae Variant Classification Sherloc (09022015). Collection method: clinical testing. Allele origin: germline.
Comment: This sequence change replaces serine, which is neutral and polar, with asparagine, which is neutral and polar, at codon 6026 of the SYNE1 protein (p.Ser6026Asn). This variant is not present in population databases (gnomAD no frequency). This variant has not been reported in the literature in individuals affected with SYNE1-related conditions. An algorithm developed to predict the effect of missense changes on protein structure and function (PolyPhen-2) suggests that this variant is likely to be tolerated. In summary, the available evidence is currently insufficient to determine the role of this variant in disease. Therefore, it has been classified as a Variant of Uncertain Significance.

NM_182961.4(SYNE1):c.18290G>A (p.Ser6097Asn)

Gene: SYNE1 (spectrin repeat containing nuclear envelope protein 1; minus strand). Cytogenetic location: 6q25.2.
Variant type: single nucleotide variant.
Coding change: c.18290G>A on transcript NM_182961.4 (MANE Select); coding-DNA position 18290, G replaced by A.
Protein change: p.Ser6097Asn; replaces serine 6097 with asparagine.
Molecular consequence: missense variant.
Genome position (GRCh38, 1-based): chr6:152,281,898, C>T on the plus strand (G>A on the coding strand, the complement: SYNE1 is on the minus strand). VCF-style: chr6-152281898-C-T. GRCh37 (hg19) VCF-style: chr6-152603033-C-T.
Other names: c.18077G>A, p.Ser6026Asn (NM_033071.5); short protein forms S6026N, S6097N.
Identifiers: ClinVar variation 3749354 (VCV003749354.2).
Genomic context (GRCh38, chr6:152,281,898, plus strand): 5'-ATGGGCTCCTTGGGTGGACTCAGCGCAGTGTCCAGAGTGGCCTTGGTACTCAAGAGCCAG[C>T]TGTCCAGCTCATCGGCTTCACAGCGATACCTCTGCAGGGCCTGTTCCTGCCTTTGTTCCT-3'
Protein context (NP_892006.3, residues 6087-6107): RYRCEADELD[Ser6097Asn]WLLSTKATLD